The following is an entry in ClinVar:

NM_000051.4(ATM):c.2783T>G (p.Leu928Ter)

Gene: ATM (ATM serine/threonine kinase; plus strand). Cytogenetic location: 11q22.3.
Variant type: single nucleotide variant.
Coding change: c.2783T>G on transcript NM_000051.4 (MANE Select); coding-DNA position 2783, T replaced by G.
Protein change: p.Leu928Ter; replaces leucine 928 with a stop codon.
Molecular consequence: nonsense.
Genome position (GRCh38, 1-based): chr11:108,268,554, T>G. VCF-style: chr11-108268554-T-G. GRCh37 (hg19) VCF-style: chr11-108139281-T-G.
Other names: c.2783T>G, p.Leu928Ter (NM_001351834.2); short protein forms L928*.
Identifiers: ClinVar variation 3452754 (VCV003452754.1).

ClinVar aggregate classification (germline): Pathogenic (1 of 4 stars; one submission).

Conditions:
Hereditary cancer-predisposing syndrome. Also called: Tumor predisposition; Neoplastic Syndromes, Hereditary; Hereditary neoplastic syndrome; Hereditary Cancer Syndrome. Identifiers: Orphanet 140162, MedGen C0027672, MeSH D009386, MONDO:0015356.

Submission:

Ambry Genetics
Classification: Pathogenic for Hereditary cancer-predisposing syndrome. Last evaluated: 2024-12-06. Review status: criteria provided, single submitter. Criteria: Ambry Variant Classification Scheme 2023. Collection method: clinical testing. Allele origin: germline.
Comment: The p.L928* pathogenic mutation (also known as c.2783T>G), located in coding exon 17 of the ATM gene, results from a T to G substitution at nucleotide position 2783. This changes the amino acid from a leucine to a stop codon within coding exon 17. This variant is considered to be rare based on population cohorts in the Genome Aggregation Database (gnomAD). This alteration is expected to result in loss of function by premature protein truncation or nonsense-mediated mRNA decay. As such, this alteration is interpreted as a disease-causing mutation.